The following is an entry in ClinVar:

NM_001267727.2(ARSG):c.854A>G (p.Asp285Gly)

Gene: ARSG (arylsulfatase G; plus strand). Cytogenetic location: 17q24.2.
Variant type: single nucleotide variant.
Coding change: c.854A>G on transcript NM_001267727.2 (MANE Select); coding-DNA position 854, A replaced by G.
Protein change: p.Asp285Gly; replaces aspartic acid 285 with glycine.
Molecular consequence: missense variant.
Genome position (GRCh38, 1-based): chr17:68,368,697, A>G. VCF-style: chr17-68368697-A-G. GRCh37 (hg19) VCF-style: chr17-66364838-A-G.
Other names: c.854A>G, p.Asp285Gly (NM_001352910.2, NM_014960.5, NM_001352899.2 and 3 more transcripts); c.851A>G, p.Asp284Gly (NM_001352903.2, NM_001352904.2, NM_001352905.2 and 2 more transcripts); c.806A>G, p.Asp269Gly (NM_001352909.2); short protein forms D269G, D284G, D285G.
Identifiers: ClinVar variation 1928994 (VCV001928994.5), dbSNP rs1208712044, ClinGen allele CA400745593.
Genomic context (GRCh38, chr17:68,368,697, plus strand): 5'-GCAGAAGCCTGTATGGTGCAGGGCTCTGGGAGATGGACAGTCTGGTGGGCCAGATCAAGG[A>G]CAAAGTTGACCACACAGTGAAGGAAAACACATTCCTCTGGTTTACAGGTAAAGTAGTAAA-3'
Protein context (NP_001254656.1, residues 275-295): EMDSLVGQIK[Asp285Gly]KVDHTVKENT

ClinVar aggregate classification (germline): Uncertain significance (1 of 4 stars; one submission).

Allele frequency attached by ClinVar (database versions not stated): gnomAD exomes below 0.00001.
gnomAD v4.1: 6 of 1,614,020 alleles (0.00037%); highest among the groups gnomAD compares: Non-Finnish European, 0.00042%; no homozygotes.

Submission:

Labcorp Genetics (formerly Invitae), Labcorp
Classification: Uncertain significance. Last evaluated: 2022-04-11. Review status: criteria provided, single submitter. Criteria: Invitae Variant Classification Sherloc (09022015). Collection method: clinical testing. Allele origin: germline.
Comment: This variant has not been reported in the literature in individuals affected with ARSG-related conditions. This sequence change replaces aspartic acid, which is acidic and polar, with glycine, which is neutral and non-polar, at codon 285 of the ARSG protein (p.Asp285Gly). This variant is present in population databases (no rsID available, gnomAD 0.0009%). Algorithms developed to predict the effect of missense changes on protein structure and function (SIFT, PolyPhen-2, Align-GVGD) all suggest that this variant is likely to be tolerated. In summary, the available evidence is currently insufficient to determine the role of this variant in disease. Therefore, it has been classified as a Variant of Uncertain Significance.